The following is an entry in ClinVar:

NM_015721.3(GEMIN4):c.105A>G (p.Thr35=)

Gene: GEMIN4 (gem nuclear organelle associated protein 4; minus strand). Cytogenetic location: 17p13.3.
Variant type: single nucleotide variant.
Coding change: c.105A>G on transcript NM_015721.3 (MANE Select); coding-DNA position 105, A replaced by G.
Protein change: p.Thr35=; no amino-acid change (threonine 35 retained).
Molecular consequence: synonymous variant.
Genome position (GRCh38, 1-based): chr17:747,938, T>C on the plus strand (A>G on the coding strand, the complement: GEMIN4 is on the minus strand). VCF-style: chr17-747938-T-C. GRCh37 (hg19) VCF-style: chr17-651178-T-C.
Other names: c.105A>G (NM_015721.2).
Identifiers: ClinVar variation 2647178 (VCV002647178.25), dbSNP rs185519369, ClinGen allele CA8262961.
Genomic context (GRCh38, chr17:747,938, plus strand): 5'-CGAGGAGATCTCCCTTAAGGCCTCCACGATGGGCCGTCCAACACGTTCCCAGTCAGACTT[T>C]GTTAATTCTGCCAGTGCCTTAGGGTGGAACAGCTGCTCGGCCAGCAAGAAGCCTCCATGC-3'
Protein context (NP_056536.2, residues 25-45): LFHPKALAEL[Thr35=]KSDWERVGRP

ClinVar aggregate classification (germline): Likely benign. Review status: criteria provided, single submitter (1 of 4 stars). 2 submissions from 2 submitters: Likely benign (1). 1 of the submissions does not count toward it. Last evaluated 2023-03-01.

Conditions:
GEMIN4-related disorder. Also called: GEMIN4-related condition.

Allele frequency attached by ClinVar (database versions not stated): 1000 Genomes Project 30x 0.00016; ExAC 0.00016; ESP Exome Variant Server 0.00016; 1000 Genomes Project 0.00020; TOPMed 0.00022; gnomAD 0.00024; gnomAD exomes 0.00025.
gnomAD v4.1: 400 of 1,613,688 alleles (0.025%); highest among the groups gnomAD compares: Non-Finnish European, 0.03%; 1 homozygote.

Submissions (2):

CeGaT Center for Human Genetics Tuebingen
Classification: Likely benign. Last evaluated: 2023-03-01. Review status: criteria provided, single submitter. Criteria: CeGaT Center For Human Genetics Tuebingen Variant Classification Criteria Version 2. Collection method: clinical testing. Allele origin: germline. Affected: yes. Observed: 1 variant allele.
Comment: GEMIN4: BP4, BP7

PreventionGenetics, part of Exact Sciences
Classification: Likely benign for GEMIN4-related condition. Last evaluated: 2020-01-02. Review status: no assertion criteria provided. Collection method: clinical testing. Allele origin: germline. Not counted in ClinVar's aggregate classification.
Comment: This variant is classified as likely benign based on ACMG/AMP sequence variant interpretation guidelines (Richards et al. 2015 PMID: 25741868, with internal and published modifications).